The following is an entry in ClinVar:

NM_002705.5(PPL):c.3595G>C (p.Glu1199Gln)

Gene: PPL (periplakin; minus strand). Cytogenetic location: 16p13.3.
Variant type: single nucleotide variant.
Coding change: c.3595G>C on transcript NM_002705.5 (MANE Select); coding-DNA position 3595, G replaced by C.
Protein change: p.Glu1199Gln; replaces glutamic acid 1199 with glutamine.
Molecular consequence: missense variant.
Genome position (GRCh38, 1-based): chr16:4,885,060, C>G on the plus strand (G>C on the coding strand, the complement: PPL is on the minus strand). VCF-style: chr16-4885060-C-G. GRCh37 (hg19) VCF-style: chr16-4935061-C-G.
Other names: short protein forms E1199Q.
Identifiers: ClinVar variation 779008 (VCV000779008.29), dbSNP rs12446946, ClinGen allele CA7885655.
Genomic context (GRCh38, chr16:4,885,060, plus strand): 5'-GGGCCTCCAGCTCACTCTGGTAGCTCCGGAGCTGCTCCTCGGCACCCCGGTACTTTCGCT[C>G]CTGCTCCACAAGCTCCAGGCGGAGGTTCGCCACTTCACTTTCCGCCTTGGGGTCTGGCCG-3'
Protein context (NP_002696.4, residues 1189-1209): ANLRLELVEQ[Glu1199Gln]RKYRGAEEQL

ClinVar aggregate classification (germline): Likely benign. Review status: criteria provided, multiple submitters, no conflicts (2 of 4 stars). 4 submissions from 4 submitters: Likely benign (4). Last evaluated 2025-08-18.

Allele frequency attached by ClinVar (database versions not stated): TOPMed 0.00295; ESP Exome Variant Server 0.00300; ExAC 0.00318; 1000 Genomes Project 0.00379; 1000 Genomes Project 30x 0.00468.
gnomAD v4.1: 5,968 of 1,613,698 alleles (0.37%); highest among the groups gnomAD compares: Admixed American, 0.46%; 19 homozygotes.

Submissions (4):

Genomic Medicine Center of Excellence, King Faisal Specialist Hospital and Research Centre
Classification: Likely benign. Last evaluated: 2025-08-18. Review status: criteria provided, single submitter. Criteria: ACMG Guidelines, 2015. Collection method: clinical testing. Allele origin: germline.

CeGaT Center for Human Genetics Tuebingen
Classification: Likely benign. Last evaluated: 2023-03-01. Review status: criteria provided, single submitter. Criteria: CeGaT Center For Human Genetics Tuebingen Variant Classification Criteria Version 2. Collection method: clinical testing. Allele origin: germline. Affected: yes. Observed: 2 variant alleles.
Comment: PPL: BS2

Labcorp Genetics (formerly Invitae), Labcorp
Classification: Likely benign. Last evaluated: 2018-04-12. Review status: criteria provided, single submitter. Criteria: Invitae Variant Classification Sherloc (09022015). Collection method: clinical testing. Allele origin: germline.

Breakthrough Genomics
Classification: Likely benign. Review status: criteria provided, single submitter. Criteria: ACMG Guidelines, 2015. Collection method: not provided. Allele origin: germline. Inheritance: Unknown mechanism. Affected: yes.